The following is an entry in ClinVar:

NM_004526.4(MCM2):c.1198G>A (p.Ala400Thr)

Gene: MCM2 (minichromosome maintenance complex component 2; plus strand). Cytogenetic location: 3q21.3.
Variant type: single nucleotide variant.
Coding change: c.1198G>A on transcript NM_004526.4 (MANE Select); coding-DNA position 1198, G replaced by A.
Protein change: p.Ala400Thr; replaces alanine 400 with threonine.
Molecular consequence: missense variant. On other transcripts: non-coding transcript variant (1).
Genome position (GRCh38, 1-based): chr3:127,608,478, G>A. VCF-style: chr3-127608478-G-A. GRCh37 (hg19) VCF-style: chr3-127327321-G-A.
Other names: c.1198G>A (NM_004526.2); short protein forms A400T.
Identifiers: ClinVar variation 1448390 (VCV001448390.7), dbSNP rs371462307, ClinGen allele CA2595819.

ClinVar aggregate classification (germline): Uncertain significance. Review status: criteria provided, multiple submitters, no conflicts (2 of 4 stars). 2 submissions from 2 submitters: Uncertain significance (2). Last evaluated 2025-03-30.

Allele frequency attached by ClinVar (database versions not stated): gnomAD 0.00002 and 0.00003; ExAC 0.00003; gnomAD exomes 0.00003; TOPMed 0.00004.

Submissions (2):

Labcorp Genetics (formerly Invitae), Labcorp
Classification: Uncertain significance. Last evaluated: 2025-03-30. Review status: criteria provided, single submitter. Criteria: Invitae Variant Classification Sherloc (09022015). Collection method: clinical testing. Allele origin: germline.
Comment: This sequence change replaces alanine, which is neutral and non-polar, with threonine, which is neutral and polar, at codon 400 of the MCM2 protein (p.Ala400Thr). This variant is present in population databases (rs371462307, gnomAD 0.02%). This variant has not been reported in the literature in individuals affected with MCM2-related conditions. ClinVar contains an entry for this variant (Variation ID: 1448390). Invitae Evidence Modeling of protein sequence and biophysical properties (such as structural, functional, and spatial information, amino acid conservation, physicochemical variation, residue mobility, and thermodynamic stability) indicates that this missense variant is not expected to disrupt MCM2 protein function with a negative predictive value of 80%. In summary, the available evidence is currently insufficient to determine the role of this variant in disease. Therefore, it has been classified as a Variant of Uncertain Significance.

Ambry Genetics
Classification: Uncertain significance. Last evaluated: 2024-01-09. Review status: criteria provided, single submitter. Criteria: Ambry Variant Classification Scheme 2023. Collection method: clinical testing. Allele origin: germline.